The following is an entry in ClinVar:

ClinVar aggregate classification (germline): Uncertain significance (1 of 4 stars; one submission).

Conditions:
Inborn genetic diseases. Identifiers: MedGen C0950123, MeSH D030342.

Submission:

Ambry Genetics
Classification: Uncertain significance for Inborn genetic diseases. Last evaluated: 2024-07-13. Review status: criteria provided, single submitter. Criteria: Ambry Variant Classification Scheme 2023. Collection method: clinical testing. Allele origin: germline.
Comment: The p.T48I variant (also known as c.143C>T), located in coding exon 2 of the RAD51 gene, results from a C to T substitution at nucleotide position 143. The threonine at codon 48 is replaced by isoleucine, an amino acid with similar properties. This amino acid position is conserved. In addition, this alteration is predicted to be deleterious by in silico analysis. Based on the available evidence, the clinical significance of this variant remains unclear.

NM_002875.5(RAD51):c.143C>T (p.Thr48Ile)

Gene: RAD51 (RAD51 recombinase; plus strand). Cytogenetic location: 15q15.1.
Variant type: single nucleotide variant.
Coding change: c.143C>T on transcript NM_002875.5 (MANE Select); coding-DNA position 143, C replaced by T.
Protein change: p.Thr48Ile; replaces threonine 48 with isoleucine.
Molecular consequence: missense variant.
Genome position (GRCh38, 1-based): chr15:40,701,119, C>T. VCF-style: chr15-40701119-C-T. GRCh37 (hg19) VCF-style: chr15-40993317-C-T.
Other names: c.143C>T, p.Thr48Ile (NM_001164269.2, NM_001164270.2, NM_133487.4); short protein forms T48I.
Identifiers: ClinVar variation 3429548 (VCV003429548.1).
Genomic context (GRCh38, chr15:40,701,119, plus strand): 5'-TGCAGCAGTGTGGCATAAATGCCAACGATGTGAAGAAATTGGAAGAAGCTGGATTCCATA[C>T]TGTGGAGGCTGTTGCCTATGCGCCAAAGAAGGAGCTAATAAATATTAAGGGAATTAGTGA-3'
Protein context (NP_002866.2, residues 38-58): VKKLEEAGFH[Thr48Ile]VEAVAYAPKK